The following is an entry in ClinVar:

ClinVar aggregate classification (germline): Uncertain significance (1 of 4 stars; one submission).

Submission:

Labcorp Genetics (formerly Invitae), Labcorp
Classification: Uncertain significance. Last evaluated: 2023-01-07. Review status: criteria provided, single submitter. Criteria: Invitae Variant Classification Sherloc (09022015). Collection method: clinical testing. Allele origin: germline.
Comment: This variant, c.243_245del, results in the deletion of 1 amino acid(s) of the HNRNPK protein (p.Ser82del), but otherwise preserves the integrity of the reading frame. This variant is not present in population databases (gnomAD no frequency). This variant has not been reported in the literature in individuals affected with HNRNPK-related conditions. Experimental studies and prediction algorithms are not available or were not evaluated, and the functional significance of this variant is currently unknown. In summary, the available evidence is currently insufficient to determine the role of this variant in disease. Therefore, it has been classified as a Variant of Uncertain Significance.

NM_031263.4(HNRNPK):c.240CAG[1] (p.Ser82del)

Genes: HNRNPK (heterogeneous nuclear ribonucleoprotein K; minus strand), HNRNPK-AS1 (HNRNPK antisense RNA 1; plus strand). Cytogenetic location: 9q21.32.
Variant type: Microsatellite.
Coding change: c.240CAG[1] on transcript NM_031263.4 (MANE Select); one copy of the 3-base unit CAG starting at c.240; the reference has two copies in a row; one copy, 3 bases deleted.
Protein change: p.Ser82del; deletes serine 82.
Molecular consequence: inframe deletion. On other transcripts: non-coding transcript variant (1).
Genome position (GRCh38, 1-based): chr9:83,975,474-83,975,476, CTG deleted on the plus strand (CAG on the coding strand, the reverse complement: HNRNPK is on the minus strand); deleting any 3 consecutive bases within chr9:83,975,474-83,975,479 gives the same sequence; the position shown is the placement nearest the transcript's 3' end. VCF-style (leftmost placement, unchanged base first): chr9-83975473-ACTG-A. GRCh37 (hg19) VCF-style: chr9-86590388-ACTG-A.
Other names: c.240CAG[1], p.Ser82del (NM_001318186.2, NM_001318187.2, NM_001318188.2 and 2 more transcripts); short protein forms S82del.
Identifiers: ClinVar variation 2826714 (VCV002826714.3), dbSNP rs2492005261, ClinGen allele CA2739269334.